The following is an entry in ClinVar:

NM_139027.6(ADAMTS13):c.3448C>T (p.Arg1150Ter)

Gene: ADAMTS13 (ADAM metallopeptidase with thrombospondin type 1 motif 13; plus strand). Cytogenetic location: 9q34.2.
Variant type: single nucleotide variant.
Coding change: c.3448C>T on transcript NM_139027.6 (MANE Select); coding-DNA position 3448, C replaced by T.
Protein change: p.Arg1150Ter; replaces arginine 1150 with a stop codon.
Molecular consequence: nonsense. On other transcripts: non-coding transcript variant (1).
Genome position (GRCh38, 1-based): chr9:133,456,116, C>T. VCF-style: chr9-133456116-C-T. GRCh37 (hg19) VCF-style: chr9-136321238-C-T.
Other names: c.3616C>T, p.Arg1206Ter (NM_139025.5); c.3355C>T, p.Arg1119Ter (NM_139026.6); short protein forms R1150*, R1119*, R1206*.
Identifiers: ClinVar variation 2735365 (VCV002735365.3), dbSNP rs782818582, ClinGen allele CA200944744.

ClinVar aggregate classification (germline): Pathogenic (1 of 4 stars; one submission).

Allele frequency attached by ClinVar (database versions not stated): gnomAD 0.00001; TOPMed 0.00001; ExAC 0.00002.
gnomAD v4.1: 13 of 1,613,236 alleles (0.00081%); highest among the groups gnomAD compares: Admixed American, 0.0033%; no homozygotes.

Submission:

Labcorp Genetics (formerly Invitae), Labcorp
Classification: Pathogenic. Last evaluated: 2024-03-11. Review status: criteria provided, single submitter. Criteria: Invitae Variant Classification Sherloc (09022015). Collection method: clinical testing. Allele origin: germline.
Comment: This sequence change creates a premature translational stop signal (p.Arg1206*) in the ADAMTS13 gene. It is expected to result in an absent or disrupted protein product. Loss-of-function variants in ADAMTS13 are known to be pathogenic (PMID: 11586351, 12753286, 21781265). This variant is present in population databases (rs782818582, gnomAD 0.003%). This premature translational stop signal has been observed in individual(s) with thrombotic thrombocytopenic purpura (PMID: 16449289, 23346910). For these reasons, this variant has been classified as Pathogenic.

Literature cited by the submitters: PubMed 11586351; PubMed 12753286; PubMed 21781265; PubMed 16449289; PubMed 23346910.